The following is an entry in ClinVar:

ClinVar aggregate classification (germline): Likely pathogenic (1 of 4 stars; one submission).

Conditions:
Plasma factor XI deficiency.

Submission:

Natera, Inc.
Classification: Likely pathogenic for Plasma factor XI deficiency. Last evaluated: 2024-11-08. Review status: criteria provided, single submitter. Criteria: Natera Variant Classification Schema (03/2026). Collection method: clinical testing. Allele origin: germline.
Comment: The c.596-8T>A variant in F11 is an intronic variant located outside the canonical splice sites. This variant is rare in the general population with a frequency below the threshold expected for the associated phenotype(s). This variant has been observed in one or more individuals affected with the associated recessive disease, as either homozygous or compound heterozygous with a second variant (PMID: 27067486). Functional studies show that this variant may disrupt protein function (PMID: 27067486). Given the available evidence, this variant is classified as Likely Pathogenic.

Literature cited by the submitters: PubMed 27067486.

NM_000128.4(F11):c.596-8T>A

Gene: F11 (coagulation factor XI; plus strand). Cytogenetic location: 4q35.2.
Variant type: single nucleotide variant.
Coding change: c.596-8T>A on transcript NM_000128.4 (MANE Select); 8 bases into the intron before coding-DNA position 596, T replaced by A.
Molecular consequence: intron variant.
Genome position (GRCh38, 1-based): chr4:186,276,223, T>A. VCF-style: chr4-186276223-T-A. GRCh37 (hg19) VCF-style: chr4-187197377-T-A.
Other names: c.596-8T>A (NM_001440593.1, NM_001440590.1, NM_001440596.1); c.485+1948T>A (NM_001440605.1, NM_001440607.1, NM_001440606.1 and 1 more transcripts).
Identifiers: ClinVar variation 4817501 (VCV004817501.1).